The following is an entry in ClinVar:

NM_000350.3(ABCA4):c.5695C>T (p.His1899Tyr)

Gene: ABCA4 (ATP binding cassette subfamily A member 4; minus strand). Cytogenetic location: 1p22.1.
Variant type: single nucleotide variant.
Coding change: c.5695C>T on transcript NM_000350.3 (MANE Select); coding-DNA position 5695, C replaced by T.
Protein change: p.His1899Tyr; replaces histidine 1899 with tyrosine.
Molecular consequence: missense variant.
Genome position (GRCh38, 1-based): chr1:94,010,819, G>A on the plus strand (C>T on the coding strand, the complement: ABCA4 is on the minus strand). VCF-style: chr1-94010819-G-A. GRCh37 (hg19) VCF-style: chr1-94476375-G-A.
Other names: NM_000350.3(ABCA4):c.5695C>T; p.His1899Tyr; c.5473C>T, p.His1825Tyr (NM_001425324.1); short protein forms H1899Y, H1825Y.
Identifiers: ClinVar variation 2114998 (VCV002114998.5), dbSNP rs1282177135, ClinGen allele CA341280736.

ClinVar aggregate classification (germline): Uncertain significance. Review status: reviewed by expert panel (3 of 4 stars). 2 submissions from 2 submitters: Uncertain significance (1). 1 of the submissions does not count toward it. Last evaluated 2026-05-05.

Conditions:
ABCA4-related retinopathy. Also called: ABCA4 retinoapthy; ABCA4-related retinoapthy. Identifiers: MedGen CN322612, MONDO:0800406.

Submissions (2):

ClinGen ABCA4 Variant Curation Expert Panel, Clingen
Classification: Uncertain significance for ABCA4-related retinopathy. Last evaluated: 2026-05-05. Review status: reviewed by expert panel. Criteria: ClinGen ABCA4 ACMG Specifications V1.0.0. Collection method: curation. Allele origin: germline. Inheritance: Autosomal recessive inheritance.
Comment: The NM_000350.3(ABCA4):c.5695C>T variant in ABCA4 is a missense variant predicted to cause substitution of histidine by tyrosine at amino acid 1899 (p.His1899Tyr). This variant is not found in gnomAD v4.1.0 population database (PM2_Supporting). To our knowledge, this variant has not been reported in the literature in affected individuals. In-silico prediction tools are conflicted in this variant’s impact on protein function. In summary, this variant meets the criteria to be classified as a variant of uncertain significance for ABCA4-related retinopathy based on the ACMG/AMP criteria applied, as specified by the ClinGen ABCA4 VCEP specification Version 1.0.0: PM2_Supporting.

Labcorp Genetics (formerly Invitae), Labcorp
Classification: Uncertain significance. Last evaluated: 2022-03-21. Review status: criteria provided, single submitter. Criteria: Invitae Variant Classification Sherloc (09022015). Collection method: clinical testing. Allele origin: germline. Not counted in ClinVar's aggregate classification.
Comment: This variant is not present in population databases (gnomAD no frequency). This variant has not been reported in the literature in individuals affected with ABCA4-related conditions. This sequence change replaces histidine, which is basic and polar, with tyrosine, which is neutral and polar, at codon 1899 of the ABCA4 protein (p.His1899Tyr). In summary, the available evidence is currently insufficient to determine the role of this variant in disease. Therefore, it has been classified as a Variant of Uncertain Significance. Advanced modeling of protein sequence and biophysical properties (such as structural, functional, and spatial information, amino acid conservation, physicochemical variation, residue mobility, and thermodynamic stability) performed at Invitae indicates that this missense variant is not expected to disrupt ABCA4 protein function.